The following is an entry in ClinVar:

ClinVar aggregate classification (germline): Uncertain significance (1 of 4 stars; one submission).

Submission:

Labcorp Genetics (formerly Invitae), Labcorp
Classification: Uncertain significance. Last evaluated: 2021-06-30. Review status: criteria provided, single submitter. Criteria: Invitae Variant Classification Sherloc (09022015). Collection method: clinical testing. Allele origin: germline.
Comment: In summary, the available evidence is currently insufficient to determine the role of this variant in disease. Therefore, it has been classified as a Variant of Uncertain Significance. Algorithms developed to predict the effect of missense changes on protein structure and function output the following: SIFT: "Tolerated"; PolyPhen-2: "Benign"; Align-GVGD: "Class C0". The valine amino acid residue is found in multiple mammalian species, which suggests that this missense change does not adversely affect protein function. This variant has not been reported in the literature in individuals affected with ALPK3-related conditions. This variant is not present in population databases (ExAC no frequency). This sequence change replaces glycine with valine at codon 581 of the ALPK3 protein (p.Gly581Val). The glycine residue is weakly conserved and there is a moderate physicochemical difference between glycine and valine.

NM_020778.5(ALPK3):c.1136G>T (p.Gly379Val)

Gene: ALPK3 (alpha kinase 3; plus strand). Cytogenetic location: 15q25.3.
Variant type: single nucleotide variant.
Coding change: c.1136G>T on transcript NM_020778.5 (MANE Select); coding-DNA position 1136, G replaced by T.
Protein change: p.Gly379Val; replaces glycine 379 with valine.
Molecular consequence: missense variant.
Genome position (GRCh38, 1-based): chr15:84,840,415, G>T. VCF-style: chr15-84840415-G-T. GRCh37 (hg19) VCF-style: chr15-85383646-G-T.
Other names: short protein forms G379V.
Identifiers: ClinVar variation 1364742 (VCV001364742.8), dbSNP rs2141556967, ClinGen allele CA393374548.